The following is an entry in ClinVar:

NM_005045.4(RELN):c.5115del (p.Ile1706fs)

Gene: RELN (reelin; minus strand). Cytogenetic location: 7q22.1.
Variant type: Deletion.
Coding change: c.5115del on transcript NM_005045.4 (MANE Select); coding-DNA position 5115, one base deleted (C; older notation c.5115delC).
Protein change: p.Ile1706fs; shifts the reading frame from isoleucine 1706.
Molecular consequence: frameshift variant.
Genome position (GRCh38, 1-based): chr7:103,565,373, G deleted on the plus strand (C on the coding strand, the reverse complement: RELN is on the minus strand); the first of 2 consecutive G bases (chr7:103,565,373-103,565,374); deleting either gives the same sequence. VCF-style (leftmost placement, unchanged base first): chr7-103565372-TG-T. GRCh37 (hg19) VCF-style: chr7-103205819-TG-T.
Other names: c.5115del, p.Ile1706fs (NM_173054.3); short protein forms I1706fs.
Identifiers: ClinVar variation 2091447 (VCV002091447.4), dbSNP rs2484741062, ClinGen allele CA2580076069.

ClinVar aggregate classification (germline): Pathogenic (1 of 4 stars; one submission).

Conditions:
Norman-Roberts syndrome (LIS2). Also called: Lissencephaly 2 (Norman-Roberts type). Identifiers: Orphanet 89844, MedGen C0796089, MONDO:0009760, OMIM 257320.
Familial temporal lobe epilepsy 7. Identifiers: Orphanet 101046, MedGen C4225327, MONDO:0014639, OMIM 616436.

Submission:

Labcorp Genetics (formerly Invitae), Labcorp
Classification: Pathogenic for Familial temporal lobe epilepsy 7; Norman-Roberts syndrome. Last evaluated: 2022-02-01. Review status: criteria provided, single submitter. Criteria: Invitae Variant Classification Sherloc (09022015). Collection method: clinical testing. Allele origin: germline.
Comment: For these reasons, this variant has been classified as Pathogenic. This variant has not been reported in the literature in individuals affected with RELN-related conditions. This variant is not present in population databases (gnomAD no frequency). This sequence change creates a premature translational stop signal (p.Ile1706Leufs*123) in the RELN gene. It is expected to result in an absent or disrupted protein product. Loss-of-function variants in RELN are known to be pathogenic (PMID: 10973257, 26046367, 28454995).

Literature cited by the submitters: PubMed 10973257; PubMed 26046367; PubMed 28454995.